The following is an entry in ClinVar:

ClinVar aggregate classification (germline): Uncertain significance (1 of 4 stars; one submission).

Allele frequency attached by ClinVar (database versions not stated): TOPMed 0.00001.

Submission:

Ambry Genetics
Classification: Uncertain significance. Last evaluated: 2022-11-23. Review status: criteria provided, single submitter. Criteria: Ambry Variant Classification Scheme 2023. Collection method: clinical testing. Allele origin: germline.
Comment: The p.S15F variant (also known as c.44C>T), located in coding exon 1 of the MLH3 gene, results from a C to T substitution at nucleotide position 44. The serine at codon 15 is replaced by phenylalanine, an amino acid with highly dissimilar properties. This amino acid position is conserved. In addition, this alteration is predicted to be deleterious by in silico analysis. Since supporting evidence is limited at this time, the clinical significance of this alteration remains unclear.

NM_001040108.2(MLH3):c.44C>T (p.Ser15Phe)

Gene: MLH3 (mutL homolog 3; minus strand). Cytogenetic location: 14q24.3.
Variant type: single nucleotide variant.
Coding change: c.44C>T on transcript NM_001040108.2 (MANE Select); coding-DNA position 44, C replaced by T.
Protein change: p.Ser15Phe; replaces serine 15 with phenylalanine.
Molecular consequence: missense variant.
Genome position (GRCh38, 1-based): chr14:75,049,612, G>A on the plus strand (C>T on the coding strand, the complement: MLH3 is on the minus strand). VCF-style: chr14-75049612-G-A. GRCh37 (hg19) VCF-style: chr14-75516315-G-A.
Other names: c.44C>T, p.Ser15Phe (NM_014381.3); short protein forms S15F.
Identifiers: ClinVar variation 2448608 (VCV002448608.2), dbSNP rs1424606217, ClinGen allele CA390451859.
Genomic context (GRCh38, chr14:75,049,612, plus strand): 5'-TCAATACTGTTGAGGGCAAGTTCCTCAACACATTGGCCCAAGGAGCTTATGGCCAAACCA[G>A]AACGCAATTTGGCTTGTACTTCAACTGACAAGCACTTGATCATGGTAGGTAGAAAGATGG-3'
Protein context (NP_001035197.1, residues 5-25): LSVEVQAKLR[Ser15Phe]GLAISSLGQC